The following is an entry in ClinVar:

ClinVar aggregate classification (germline): Uncertain significance (1 of 4 stars; one submission).

Allele frequency attached by ClinVar (database versions not stated): gnomAD 0.00001; 1000 Genomes Project 0.00020; 1000 Genomes Project 30x 0.00031.
gnomAD v4.1: 1 of 1,599,820 alleles (0.000063%); highest among the groups gnomAD compares: East Asian, 0.0022%; no homozygotes.

Submission:

Labcorp Genetics (formerly Invitae), Labcorp
Classification: Uncertain significance. Last evaluated: 2019-11-02. Review status: criteria provided, single submitter. Criteria: Invitae Variant Classification Sherloc (09022015). Collection method: clinical testing. Allele origin: germline.
Comment: This sequence change replaces asparagine with aspartic acid at codon 339 of the YAP1 protein (p.Asn339Asp). The asparagine residue is moderately conserved and there is a small physicochemical difference between asparagine and aspartic acid. This variant is not present in population databases (ExAC no frequency). This variant has not been reported in the literature in individuals with YAP1-related conditions. Algorithms developed to predict the effect of missense changes on protein structure and function (SIFT, PolyPhen-2, Align-GVGD) all suggest that this variant is likely to be tolerated, but these predictions have not been confirmed by published functional studies and their clinical significance is uncertain. In summary, the available evidence is currently insufficient to determine the role of this variant in disease. Therefore, it has been classified as a Variant of Uncertain Significance.

NM_001130145.3(YAP1):c.1015A>G (p.Asn339Asp)

Gene: YAP1 (Yes1 associated transcriptional regulator; plus strand). Cytogenetic location: 11q22.1.
Variant type: single nucleotide variant.
Coding change: c.1015A>G on transcript NM_001130145.3 (MANE Select); coding-DNA position 1015, A replaced by G.
Protein change: p.Asn339Asp; replaces asparagine 339 with aspartic acid.
Molecular consequence: missense variant. On other transcripts: intron variant (4).
Genome position (GRCh38, 1-based): chr11:102,209,547, A>G. VCF-style: chr11-102209547-A-G. GRCh37 (hg19) VCF-style: chr11-102080278-A-G.
Other names: c.481A>G, p.Asn161Asp (NM_001195045.2); c.901A>G, p.Asn301Asp (NM_001282097.2); c.913A>G, p.Asn305Asp (NM_001282099.2); c.1027A>G, p.Asn343Asp (NM_001282101.2); c.996+3461A>G (NM_001282100.2); c.984+3473A>G (NM_001195044.2); c.882+3461A>G (NM_001282098.2); c.870+3473A>G (NM_006106.5); short protein forms N161D, N305D, N339D, N301D, N343D.
Identifiers: ClinVar variation 972027 (VCV000972027.10), dbSNP rs183492039, ClinGen allele CA227367535.
Genomic context (GRCh38, chr11:102,209,547, plus strand): 5'-ATTTTTATCCGTCTTATTTTTTACTCTTAGGCAATGCGGAATATCAATCCCAGCACAGCA[A>G]ATTCTCCAAAATGTCAGGTAGGCTCTTATCTGATGTTTTAGCACTGGAAAAAAAAAAAAA-3'
Protein context (NP_001123617.1, residues 329-349): AMRNINPSTA[Asn339Asp]SPKCQELALR